The following is an entry in ClinVar:

ClinVar aggregate classification (germline): Uncertain significance. Review status: criteria provided, multiple submitters, no conflicts (2 of 4 stars). 3 submissions from 3 submitters: Uncertain significance (3). Last evaluated 2025-02-05.

Conditions:
Maturity-onset diabetes of the young type 1. Also called: MILD JUVENILE DIABETES MELLITUS; MODY type 1; Diabetes mellitus MODY type 1; MODY HNF4A related; HNF4A-Related Maturity-Onset Diabetes of the Young Type 1; MODY, type I. Identifiers: Orphanet 552, MedGen C1852093, MONDO:0007452, OMIM 125850. Disease mechanism: loss of function.

Submissions (3):

3billion
Classification: Uncertain significance for Maturity-onset diabetes of the young type 1. Last evaluated: 2025-02-05. Review status: criteria provided, single submitter. Criteria: ACMG Guidelines, 2015. Collection method: clinical testing. Allele origin: germline. Affected: yes.
Comment: The variant is not observed in the gnomAD v4.1.0 dataset. Predicted Consequence/Location: Missense variant In silico tool predictions suggest damaging effect of the variant on gene or gene product [REVEL: 0.97 (>=0.6, sensitivity 0.68 and specificity 0.92); 3Cnet: 0.99 (>=0.6, sensitivity 0.72 and precision 0.9)]. The variant has been reported as of uncertain significance (ClinVar ID: VCV001720539). Therefore, this variant is classified as VUS according to the recommendation of ACMG/AMP guideline.

Labcorp Genetics (formerly Invitae), Labcorp
Classification: Uncertain significance. Last evaluated: 2022-10-20. Review status: criteria provided, single submitter. Criteria: Invitae Variant Classification Sherloc (09022015). Collection method: clinical testing. Allele origin: germline.
Comment: In summary, the available evidence is currently insufficient to determine the role of this variant in disease. Therefore, it has been classified as a Variant of Uncertain Significance. Algorithms developed to predict the effect of missense changes on protein structure and function (SIFT, PolyPhen-2, Align-GVGD) all suggest that this variant is likely to be disruptive. This variant has not been reported in the literature in individuals affected with HNF4A-related conditions. This variant is not present in population databases (gnomAD no frequency). This sequence change replaces lysine, which is basic and polar, with threonine, which is neutral and polar, at codon 181 of the HNF4A protein (p.Lys181Thr).

Blueprint Genetics
Classification: Uncertain significance. Last evaluated: 2018-08-30. Review status: criteria provided, single submitter. Criteria: ACMG Guidelines, 2015. Collection method: clinical testing. Allele origin: germline.

NM_175914.5(HNF4A):c.542A>C (p.Lys181Thr)

Gene: HNF4A (hepatocyte nuclear factor 4 alpha; plus strand). Cytogenetic location: 20q13.12.
Variant type: single nucleotide variant.
Coding change: c.542A>C on transcript NM_175914.5 (MANE Select); coding-DNA position 542, A replaced by C.
Protein change: p.Lys181Thr; replaces lysine 181 with threonine.
Molecular consequence: missense variant.
Genome position (GRCh38, 1-based): chr20:44,414,622, A>C. VCF-style: chr20-44414622-A-C. GRCh37 (hg19) VCF-style: chr20-43043262-A-C.
Other names: c.608A>C, p.Lys203Thr (NM_000457.6, NM_178849.3, NM_178850.3); c.542A>C, p.Lys181Thr (NM_001030003.3, NM_001030004.3); c.587A>C, p.Lys196Thr (NM_001258355.2); c.533A>C, p.Lys178Thr (NM_001287182.2, NM_001287183.2, NM_001287184.2); short protein forms K178T, K181T, K196T, K203T.
Identifiers: ClinVar variation 1720539 (VCV001720539.7), dbSNP rs2515680152, ClinGen allele CA409106127.